The following is an entry in ClinVar:

ClinVar aggregate classification (germline): Conflicting classifications of pathogenicity. Review status: criteria provided, conflicting classifications (1 of 4 stars). 5 submissions from 5 submitters: Uncertain significance (1); Benign (1); Likely benign (2). 1 of the submissions does not count toward it. Last evaluated 2025-08-25.

Conditions:
OXCT1-related disorder. Also called: OXCT1-related condition.
Succinyl-CoA acetoacetate transferase deficiency (SCOTD). Also called: KETOACIDOSIS DUE TO SCOT DEFICIENCY; SCOT DEFICIENCY; SUCCINYL-CoA:3-KETOACID CoA-TRANSFERASE DEFICIENCY; 3-Oxoacid CoA Transferase Deficiency; Succinyl CoA:3-oxoacid CoA transferase deficiency. Identifiers: Orphanet 832, MedGen C0342792, MONDO:0009492, OMIM 245050.

Allele frequency attached by ClinVar (database versions not stated): gnomAD exomes 0.00008 and 0.00021; 1000 Genomes Project 30x 0.00016; 1000 Genomes Project 0.00020; ExAC 0.00026; gnomAD 0.00090 and 0.00102; TOPMed 0.00111; ESP Exome Variant Server 0.00131.
gnomAD v4.1: 249 of 1,612,990 alleles (0.015%); highest among the groups gnomAD compares: African/African-American, 0.32%; no homozygotes.

Submissions (5):

Labcorp Genetics (formerly Invitae), Labcorp
Classification: Benign for Succinyl-CoA acetoacetate transferase deficiency. Last evaluated: 2025-08-25. Review status: criteria provided, single submitter. Criteria: Invitae Variant Classification Sherloc (09022015). Collection method: clinical testing. Allele origin: germline.

Blueprint Genetics
Classification: Likely benign. Last evaluated: 2022-10-11. Review status: criteria provided, single submitter. Criteria: ACMG Guidelines, 2015. Collection method: clinical testing. Allele origin: germline.

ARUP Laboratories, Molecular Genetics and Genomics, ARUP Laboratories
Classification: Likely benign for Succinyl-CoA acetoacetate transferase deficiency. Last evaluated: 2022-03-03. Review status: criteria provided, single submitter. Criteria: ARUP Molecular Germline Variant Investigation Process 2021. Collection method: clinical testing. Allele origin: germline.

Illumina Laboratory Services, Illumina
Classification: Uncertain significance for Succinyl-CoA acetoacetate transferase deficiency. Last evaluated: 2018-01-13. Review status: criteria provided, single submitter. Criteria: ICSL Variant Classification Criteria 13 December 2019. Collection method: clinical testing. Allele origin: germline.

PreventionGenetics, part of Exact Sciences
Classification: Likely benign for OXCT1-related condition. Last evaluated: 2021-05-13. Review status: no assertion criteria provided. Collection method: clinical testing. Allele origin: germline. Not counted in ClinVar's aggregate classification.
Comment: This variant is classified as likely benign based on ACMG/AMP sequence variant interpretation guidelines (Richards et al. 2015 PMID: 25741868, with internal and published modifications).

NM_000436.4(OXCT1):c.1080T>C (p.Asp360=)

Gene: OXCT1 (3-oxoacid CoA-transferase 1; minus strand). Cytogenetic location: 5p13.1.
Variant type: single nucleotide variant.
Coding change: c.1080T>C on transcript NM_000436.4 (MANE Select); coding-DNA position 1080, T replaced by C.
Protein change: p.Asp360=; no amino-acid change (aspartic acid 360 retained).
Molecular consequence: synonymous variant. On other transcripts: non-coding transcript variant (1).
Genome position (GRCh38, 1-based): chr5:41,801,041, A>G on the plus strand (T>C on the coding strand, the complement: OXCT1 is on the minus strand). VCF-style: chr5-41801041-A-G. GRCh37 (hg19) VCF-style: chr5-41801143-A-G.
Other names: c.1101T>C, p.Asp367= (NM_001364299.2, NM_001364300.2); c.1074T>C, p.Asp358= (NM_001364301.2); c.1080T>C, p.Asp360= (NM_001364302.2); c.522T>C, p.Asp174= (NM_001364303.2).
Identifiers: ClinVar variation 353660 (VCV000353660.24), dbSNP rs140869022, ClinGen allele CA3253391.
Genomic context (GRCh38, chr5:41,801,041, plus strand): 5'-AATTAATAGCAAAGGGAAGGGCTAGAAATAAGTGAGCTTACCTGCATTGATGAGATCTGC[A>G]TCAGCTTCATGTTGTCGTGGATATGGACCCTGTCAAATACAACATACATTCAATTAGTAA-3'
Protein context (NP_000427.1, residues 350-370): LGPYPRQHEA[Asp360=]ADLINAGKET